The following is an entry in ClinVar:

ClinVar aggregate classification (germline): Uncertain significance (1 of 4 stars; one submission).

Allele frequency attached by ClinVar (database versions not stated): gnomAD exomes 0.00001; gnomAD 0.00002; TOPMed 0.00002.
gnomAD v4.1: 23 of 1,614,064 alleles (0.0014%); highest among the groups gnomAD compares: Non-Finnish European, 0.0019%; no homozygotes.

Submission:

GeneDx
Classification: Uncertain significance. Last evaluated: 2022-04-25. Review status: criteria provided, single submitter. Criteria: GeneDx Variant Classification Process June 2021. Collection method: clinical testing. Allele origin: germline. Affected: yes.
Comment: Not observed at significant frequency in large population cohorts (gnomAD); In silico analysis supports that this missense variant does not alter protein structure/function; Has not been previously published as pathogenic or benign to our knowledge

NM_018713.3(SLC30A10):c.1180A>G (p.Lys394Glu)

Gene: SLC30A10 (solute carrier family 30 member 10; minus strand). Cytogenetic location: 1q41.
Variant type: single nucleotide variant.
Coding change: c.1180A>G on transcript NM_018713.3 (MANE Select); coding-DNA position 1180, A replaced by G.
Protein change: p.Lys394Glu; replaces lysine 394 with glutamic acid.
Molecular consequence: missense variant. On other transcripts: non-coding transcript variant (2).
Genome position (GRCh38, 1-based): chr1:219,915,727, T>C on the plus strand (A>G on the coding strand, the complement: SLC30A10 is on the minus strand). VCF-style: chr1-219915727-T-C. GRCh37 (hg19) VCF-style: chr1-220089069-T-C.
Other names: c.991A>G, p.Lys331Glu (NM_001376929.1); short protein forms K331E, K394E.
Identifiers: ClinVar variation 1712660 (VCV001712660.2), dbSNP rs1207616870, ClinGen allele CA344731984.